The following is an entry in ClinVar:

NM_005343.4(HRAS):c.-53-40_-53-29del

Genes: LRRC56 (leucine rich repeat containing 56; plus strand), HRAS (HRas proto-oncogene, GTPase; minus strand). Cytogenetic location: 11p15.5.
Variant type: Deletion.
Coding change: c.-53-40_-53-29del on transcript NM_005343.4 (MANE Select); 40 bases into the intron before 53 bases upstream of the start codon through 29 bases into the intron before 53 bases upstream of the start codon, 12 bases deleted (GCTGGGCCTGGG).
Molecular consequence: intron variant.
Genome position (GRCh38, 1-based): chr11:534,404-534,415, CCCAGGCCCAGC deleted on the plus strand (GCTGGGCCTGGG on the coding strand, the reverse complement: HRAS is on the minus strand); deleting any 12 consecutive bases within chr11:534,404-534,424 gives the same sequence; the c. name uses the placement nearest the transcript's 3' end. VCF-style (leftmost placement, unchanged base first): chr11-534403-GCCCAGGCCCAGC-G. GRCh37 (hg19) VCF-style: chr11-534403-GCCCAGGCCCAGC-G.
Other names: c.-53-40_-53-29del (NM_001130442.3, NM_176795.5); c.-372-40_-372-29del (NM_001318054.2); c.-53-40_-53-29delGCTGGGCCTGGG (NM_005343.2).
Identifiers: ClinVar variation 561357 (VCV000561357.1), dbSNP rs146677294, ClinGen allele CA216883488.

ClinVar aggregate classification (germline): Benign (1 of 4 stars; one submission).

Submission:

GeneDx
Classification: Benign. Last evaluated: 2018-06-18. Review status: criteria provided, single submitter. Criteria: GeneDx Variant Classification (06012015). Collection method: clinical testing. Allele origin: germline. Affected: yes.
Comment: This variant is considered likely benign or benign based on one or more of the following criteria: it is a conservative change, it occurs at a poorly conserved position in the protein, it is predicted to be benign by multiple in silico algorithms, and/or has population frequency not consistent with disease.